The following is an entry in ClinVar:

NM_004281.4(BAG3):c.608G>A (p.Arg203Gln)

Gene: BAG3 (BAG cochaperone 3; plus strand). Cytogenetic location: 10q26.11.
Variant type: single nucleotide variant.
Coding change: c.608G>A on transcript NM_004281.4 (MANE Select); coding-DNA position 608, G replaced by A.
Protein change: p.Arg203Gln; replaces arginine 203 with glutamine.
Molecular consequence: missense variant.
Genome position (GRCh38, 1-based): chr10:119,672,355, G>A. VCF-style: chr10-119672355-G-A. GRCh37 (hg19) VCF-style: chr10-121431867-G-A.
Other names: short protein forms R203Q.
Identifiers: ClinVar variation 391763 (VCV000391763.12), dbSNP rs1057524225, ClinGen allele CA16605610.
Genomic context (GRCh38, chr10:119,672,355, plus strand): 5'-CCTCCTCGGCCAGCCTGCCTTCCTCCGGCAGGAGCAGCCTGGGCAGTCACCAGCTCCCGC[G>A]GGGGTACATCTCCATTCCGGTGATACACGAGCAGAACGTTACCCGGCCAGCAGCCCAGCC-3'
Protein context (NP_004272.2, residues 193-213): RSSLGSHQLP[Arg203Gln]GYISIPVIHE

ClinVar aggregate classification (germline): Uncertain significance. Review status: criteria provided, multiple submitters, no conflicts (2 of 4 stars). 3 submissions from 3 submitters: Uncertain significance (3). Last evaluated 2025-12-28.

Conditions:
Cardiovascular phenotype. Identifiers: MedGen CN230736.
Myofibrillar myopathy 6. Identifiers: Orphanet 199340, MedGen C2751831, MONDO:0013061, OMIM 612954.
Dilated cardiomyopathy 1HH (CMD1HH). Identifiers: Orphanet 154, MedGen C3151293, MONDO:0013479, OMIM 613881.

gnomAD v4.1: 6 of 1,613,960 alleles (0.00037%); highest among the groups gnomAD compares: Non-Finnish European, 0.00051%; no homozygotes.

Submissions (3):

Labcorp Genetics (formerly Invitae), Labcorp
Classification: Uncertain significance for Dilated cardiomyopathy 1HH; Myofibrillar myopathy 6. Last evaluated: 2025-12-28. Review status: criteria provided, single submitter. Criteria: Invitae Variant Classification Sherloc (09022015). Collection method: clinical testing. Allele origin: germline.
Comment: This sequence change replaces arginine, which is basic and polar, with glutamine, which is neutral and polar, at codon 203 of the BAG3 protein (p.Arg203Gln). This variant is present in population databases (no rsID available, gnomAD 0.002%). This variant has not been reported in the literature in individuals affected with BAG3-related conditions. ClinVar contains an entry for this variant (Variation ID: 391763). Invitae Evidence Modeling of protein sequence and biophysical properties (such as structural, functional, and spatial information, amino acid conservation, physicochemical variation, residue mobility, and thermodynamic stability) indicates that this missense variant is not expected to disrupt BAG3 protein function with a negative predictive value of 80%. In summary, the available evidence is currently insufficient to determine the role of this variant in disease. Therefore, it has been classified as a Variant of Uncertain Significance.

Ambry Genetics
Classification: Uncertain significance for Cardiovascular phenotype. Last evaluated: 2023-03-01. Review status: criteria provided, single submitter. Criteria: Ambry Variant Classification Scheme 2023. Collection method: clinical testing. Allele origin: germline.
Comment: The p.R203Q variant (also known as c.608G>A), located in coding exon 3 of the BAG3 gene, results from a G to A substitution at nucleotide position 608. The arginine at codon 203 is replaced by glutamine, an amino acid with highly similar properties. This amino acid position is highly conserved in available vertebrate species. In addition, this alteration is predicted to be deleterious by in silico analysis. Since supporting evidence is limited at this time, the clinical significance of this alteration remains unclear.

GeneDx
Classification: Uncertain significance. Last evaluated: 2016-12-15. Review status: criteria provided, single submitter. Criteria: GeneDx Variant Classification (06012015). Collection method: clinical testing. Allele origin: germline. Affected: yes.
Comment: The c.608 G>A variant has not been published as a pathogenic variant, nor has it been reported as a benign variant to our knowledge. The c.608 G>A variant is not observed in large population cohorts (Lek et al., 2016; 1000 Genomes Consortium et al., 2015; Exome Variant Server). Multiple in-silico splice prediction models predict that c.608 G>A creates a cryptic splice acceptor site which may supplant the natural acceptor site and lead to abnormal gene splicing. However, in the absence of RNA/functional studies the actual effect of c.608 G>A on splicing in this individual is unknown. If c.608 G>A does not alter splicing, it will result in the R203Q missense change. The R203Q variant is a semi-conservative amino acid substitution, which may impact secondary protein structure as these residues differ in some properties. This substitution occurs at a position that is conserved across species; however, missense variants in nearby residues have not been reported in the Human Gene Mutation Database in association with BAG3-related disorders (Stenson et al., 2014) In silico analysis is inconsistent in its predictions as to whether or not the variant is damaging to the protein structure/function.